The following is an entry in ClinVar:

NM_000899.5(KITLG):c.177C>T (p.Pro59=)

Gene: KITLG (KIT ligand; minus strand). Cytogenetic location: 12q21.32.
Variant type: single nucleotide variant.
Coding change: c.177C>T on transcript NM_000899.5 (MANE Select); coding-DNA position 177, C replaced by T.
Protein change: p.Pro59=; no amino-acid change (proline 59 retained).
Molecular consequence: synonymous variant.
Genome position (GRCh38, 1-based): chr12:88,532,456, G>A on the plus strand (C>T on the coding strand, the complement: KITLG is on the minus strand). VCF-style: chr12-88532456-G-A. GRCh37 (hg19) VCF-style: chr12-88926233-G-A.
Other names: c.177C>T, p.Pro59= (NM_003994.6).
Identifiers: ClinVar variation 508598 (VCV000508598.40), dbSNP rs61924705, ClinGen allele CA6713765.

ClinVar aggregate classification (germline): Benign/Likely benign. Review status: criteria provided, multiple submitters, no conflicts (2 of 4 stars). 5 submissions from 5 submitters: Benign (1); Likely benign (4). Last evaluated 2026-02-02.

Allele frequency attached by ClinVar (database versions not stated): gnomAD exomes 0.00145 and 0.00235; 1000 Genomes Project 0.00160; ExAC 0.00167; 1000 Genomes Project 30x 0.00172; gnomAD 0.00192 and 0.00194; TOPMed 0.00222; ESP Exome Variant Server 0.00284.

Submissions (5):

Labcorp Genetics (formerly Invitae), Labcorp
Classification: Benign. Last evaluated: 2026-02-02. Review status: criteria provided, single submitter. Criteria: Invitae Variant Classification Sherloc (09022015). Collection method: clinical testing. Allele origin: germline.

CeGaT Center for Human Genetics Tuebingen
Classification: Likely benign. Last evaluated: 2025-12-01. Review status: criteria provided, single submitter. Criteria: CeGaT Center For Human Genetics Tuebingen Variant Classification Criteria Version 2. Collection method: clinical testing. Allele origin: germline. Affected: yes. Observed: 3 variant alleles.
Comment: KITLG: BP4, BP7

Blueprint Genetics
Classification: Likely benign. Last evaluated: 2024-11-26. Review status: criteria provided, single submitter. Criteria: ACMG Guidelines, 2015. Collection method: clinical testing. Allele origin: germline.

GeneDx
Classification: Likely benign. Last evaluated: 2021-05-06. Review status: criteria provided, single submitter. Criteria: GeneDx Variant Classification (06012015). Collection method: clinical testing. Allele origin: germline. Affected: yes.

Laboratory for Molecular Medicine, Mass General Brigham Personalized Medicine
Classification: Likely benign. Last evaluated: 2017-08-23. Review status: criteria provided, single submitter. Criteria: LMM Criteria. Collection method: clinical testing. Allele origin: germline. Observed: 1 variant allele.
Comment: p.Pro59Pro in exon 3 of KITLG: This variant is not expected to have clinical sig nificance because it does not alter an amino acid residue and is not located wit hin the splice consensus sequence. It has been identified in 0.25% (165/66628) o f European chromosomes by the Exome Aggregation Consortium (ExAC; dbSNP rs61924705).